The following is an entry in ClinVar:

ClinVar aggregate classification (germline): Uncertain significance. Review status: criteria provided, multiple submitters, no conflicts (2 of 4 stars). 4 submissions from 4 submitters: Uncertain significance (4). Last evaluated 2026-01-14.

Conditions:
Inborn genetic diseases. Identifiers: MedGen C0950123, MeSH D030342.
Muscular dystrophy-dystroglycanopathy (congenital with brain and eye anomalies), type A2. Also called: WALKER-WARBURG SYNDROME OR MUSCLE-EYE-BRAIN DISEASE, POMT2-RELATED; MUSCULAR DYSTROPHY-DYSTROGLYCANOPATHY (CONGENITAL WITH BRAIN AND EYE ANOMALIES), TYPE A, 2. Identifiers: Orphanet 588, Orphanet 899, MedGen C3150411, MONDO:0013154, OMIM 613150.
Muscular dystrophy-dystroglycanopathy (congenital with impaired intellectual development), type B, 2. Also called: Muscular dystrophy-dystroglycanopathy (congenital with intellectual disability), type B2; MUSCULAR DYSTROPHY, CONGENITAL, POMT2-RELATED. Identifiers: MedGen C3150416, MONDO:0013160, OMIM 613156.
Autosomal recessive limb-girdle muscular dystrophy type 2N. Also called: MUSCULAR DYSTROPHY-DYSTROGLYCANOPATHY, LIMB-GIRDLE, POMT2-RELATED; Muscular dystrophy-dystroglycanopathy (limb-girdle), type C, 2. Identifiers: Orphanet 206559, MedGen C3150418, MONDO:0013162, OMIM 613158.

Allele frequency attached by ClinVar (database versions not stated): gnomAD exomes 0.00001; TOPMed 0.00002; gnomAD 0.00005.
gnomAD v4.1: 17 of 1,210,868 alleles (0.0014%); highest among the groups gnomAD compares: Non-Finnish European, 0.0018%; no homozygotes.

Submissions (4):

GeneDx
Classification: Uncertain significance. Last evaluated: 2026-01-14. Review status: criteria provided, single submitter. Criteria: GeneDx Variant Classification Process June 2021. Collection method: clinical testing. Allele origin: germline. Affected: yes.
Comment: Not observed at significant frequency in large population cohorts (gnomAD); In silico analysis supports that this missense variant has a deleterious effect on protein structure/function; Has not been previously published as pathogenic or benign to our knowledge

Ambry Genetics
Classification: Uncertain significance for Inborn genetic diseases. Last evaluated: 2025-12-15. Review status: criteria provided, single submitter. Criteria: Ambry Variant Classification Scheme 2023. Collection method: clinical testing. Allele origin: germline.

Labcorp Genetics (formerly Invitae), Labcorp
Classification: Uncertain significance for Muscular dystrophy-dystroglycanopathy (congenital with impaired intellectual development), type B, 2; Muscular dystrophy-dystroglycanopathy (congenital with brain and eye anomalies), type A2; Autosomal recessive limb-girdle muscular dystrophy type 2N. Last evaluated: 2022-10-15. Review status: criteria provided, single submitter. Criteria: Invitae Variant Classification Sherloc (09022015). Collection method: clinical testing. Allele origin: germline.
Comment: This sequence change replaces threonine, which is neutral and polar, with isoleucine, which is neutral and non-polar, at codon 375 of the POMT2 protein (p.Thr375Ile). This variant is present in population databases (rs542912704, gnomAD 0.003%). This variant has not been reported in the literature in individuals affected with POMT2-related conditions. ClinVar contains an entry for this variant (Variation ID: 657085). Advanced modeling of protein sequence and biophysical properties (such as structural, functional, and spatial information, amino acid conservation, physicochemical variation, residue mobility, and thermodynamic stability) performed at Invitae indicates that this missense variant is not expected to disrupt POMT2 protein function. In summary, the available evidence is currently insufficient to determine the role of this variant in disease. Therefore, it has been classified as a Variant of Uncertain Significance.

Women's Health and Genetics/Laboratory Corporation of America, LabCorp
Classification: Uncertain significance. Last evaluated: 2022-05-03. Review status: criteria provided, single submitter. Criteria: LabCorp Variant Classification Summary - May 2015. Collection method: clinical testing. Allele origin: germline.

NM_013382.7(POMT2):c.1124C>T (p.Thr375Ile)

Gene: POMT2 (protein O-mannosyltransferase 2; minus strand). Cytogenetic location: 14q24.3.
Variant type: single nucleotide variant.
Coding change: c.1124C>T on transcript NM_013382.7 (MANE Select); coding-DNA position 1124, C replaced by T.
Protein change: p.Thr375Ile; replaces threonine 375 with isoleucine.
Molecular consequence: missense variant.
Genome position (GRCh38, 1-based): chr14:77,291,373, G>A on the plus strand (C>T on the coding strand, the complement: POMT2 is on the minus strand). VCF-style: chr14-77291373-G-A. GRCh37 (hg19) VCF-style: chr14-77757716-G-A.
Other names: short protein forms T375I.
Identifiers: ClinVar variation 657085 (VCV000657085.10), dbSNP rs542912704, ClinGen allele CA263827068.